The following is an entry in ClinVar:

NM_014140.4(SMARCAL1):c.1521T>C (p.Asp507=)

Gene: SMARCAL1 (SNF2 related chromatin remodeling annealing helicase 1; plus strand). Cytogenetic location: 2q35.
Variant type: single nucleotide variant.
Coding change: c.1521T>C on transcript NM_014140.4 (MANE Select); coding-DNA position 1521, T replaced by C.
Protein change: p.Asp507=; no amino-acid change (aspartic acid 507 retained).
Molecular consequence: synonymous variant.
Genome position (GRCh38, 1-based): chr2:216,435,373, T>C. VCF-style: chr2-216435373-T-C. GRCh37 (hg19) VCF-style: chr2-217300096-T-C.
Other names: c.1521T>C, p.Asp507= (NM_001127207.2).
Identifiers: ClinVar variation 1559887 (VCV001559887.11), dbSNP rs1482127849, ClinGen allele CA431181336.

ClinVar aggregate classification (germline): Likely benign. Review status: criteria provided, multiple submitters, no conflicts (2 of 4 stars). 2 submissions from 2 submitters: Likely benign (2). Last evaluated 2026-05-01.

Conditions:
Schimke immuno-osseous dysplasia (SIOD). Also called: Schimke Immunoosseous Dysplasia. Identifiers: Orphanet 1830, MedGen C0877024, MONDO:0009458, OMIM 242900.

Allele frequency attached by ClinVar (database versions not stated): TOPMed 0.00001; gnomAD exomes 0.00002.
gnomAD v4.1: 9 of 1,614,112 alleles (0.00056%); highest among the groups gnomAD compares: Admixed American, 0.015%; no homozygotes.

Submissions (2):

CeGaT Center for Human Genetics Tuebingen
Classification: Likely benign. Last evaluated: 2026-05-01. Review status: criteria provided, single submitter. Criteria: CeGaT Center For Human Genetics Tuebingen Variant Classification Criteria Version 2. Collection method: clinical testing. Allele origin: germline. Affected: yes. Observed: 1 variant allele.
Comment: SMARCAL1: BP4, BP7

Labcorp Genetics (formerly Invitae), Labcorp
Classification: Likely benign for Schimke immuno-osseous dysplasia. Last evaluated: 2025-04-17. Review status: criteria provided, single submitter. Criteria: Invitae Variant Classification Sherloc (09022015). Collection method: clinical testing. Allele origin: germline.